The following is an entry in ClinVar:

NM_001113491.2(SEPTIN9):c.1724G>A (p.Gly575Asp)

Gene: SEPTIN9 (septin 9; plus strand). Cytogenetic location: 17q25.3.
Variant type: single nucleotide variant.
Coding change: c.1724G>A on transcript NM_001113491.2 (MANE Select); coding-DNA position 1724, G replaced by A.
Protein change: p.Gly575Asp; replaces glycine 575 with aspartic acid.
Molecular consequence: missense variant.
Genome position (GRCh38, 1-based): chr17:77,498,621, G>A. VCF-style: chr17-77498621-G-A. GRCh37 (hg19) VCF-style: chr17-75494703-G-A.
Other names: c.1232G>A, p.Gly411Asp (NM_001113492.2, NM_001113494.1); c.1703G>A, p.Gly568Asp (NM_001113493.2); c.971G>A, p.Gly324Asp (NM_001113495.2, NM_001113496.2, NM_001293697.2 and 1 more transcripts); c.1667G>A, p.Gly556Asp (NM_001293695.2); c.1052G>A, p.Gly351Asp (NM_001293696.2); c.1670G>A, p.Gly557Asp (NM_006640.5); short protein forms G557D, G575D, G556D, G351D, G568D, G324D, G411D.
Identifiers: ClinVar variation 450658 (VCV000450658.1), dbSNP rs988554004, ClinGen allele CA401205345.

ClinVar aggregate classification (germline): Uncertain significance (1 of 4 stars; one submission).

Allele frequency attached by ClinVar (database versions not stated): gnomAD exomes below 0.00001.
gnomAD v4.1: 1 of 1,610,986 alleles (0.000062%); highest among the groups gnomAD compares: Admixed American, 0.0017%; no homozygotes.

Submission:

GeneDx
Classification: Uncertain significance. Last evaluated: 2017-07-18. Review status: criteria provided, single submitter. Criteria: GeneDx Variant Classification (06012015). Collection method: clinical testing. Allele origin: germline. Affected: yes.
Comment: The G557D variant in the SEPT9 gene has not been reported previously as a pathogenic variant, nor as a benign variant, to our knowledge. The G557D variant is not observed in large population cohorts (Lek et al., 2016; 1000 Genomes Consortium et al., 2015; Exome Variant Server). The G557D variant is a non-conservative amino acid substitution, which is likely to impact secondary protein structure as these residues differ in polarity, charge, size and/or other properties. This substitution occurs at a position that is conserved across species. In silico analysis is inconsistent in its predictions as to whether or not the variant is damaging to the protein structure/function. We interpret G557D as a variant of uncertain significance.